The following is an entry in ClinVar:

ClinVar aggregate classification (germline): Likely benign. Review status: criteria provided, multiple submitters, no conflicts (2 of 4 stars). 4 submissions from 4 submitters: Likely benign (4). Last evaluated 2025-07-23.

Conditions:
Sitosterolemia (STSL). Also called: PHYTOSTEROLEMIA. Identifiers: Orphanet 2882, MedGen C0342907, MONDO:0008863.
Cardiovascular phenotype. Identifiers: MedGen CN230736.
ABCG5-related disorder. Also called: ABCG5-related condition.

Allele frequency attached by ClinVar (database versions not stated): TOPMed 0.00010; gnomAD exomes 0.00001; gnomAD 0.00005; ESP Exome Variant Server 0.00015; ExAC 0.00002.
gnomAD v4.1: 15 of 1,592,770 alleles (0.00094%); highest among the groups gnomAD compares: African/African-American, 0.02%; no homozygotes.

Submissions (4):

PreventionGenetics, part of Exact Sciences
Classification: Likely benign for ABCG5-related condition. Last evaluated: 2025-07-23. Review status: criteria provided, single submitter. Criteria: ACMG Guidelines, 2015. Collection method: clinical testing. Allele origin: germline.
Comment: This variant is classified as likely benign based on ACMG/AMP sequence variant interpretation guidelines (Richards et al. 2015 PMID: 25741868, with internal and published modifications).

Labcorp Genetics (formerly Invitae), Labcorp
Classification: Likely benign for Sitosterolemia. Last evaluated: 2025-02-26. Review status: criteria provided, single submitter. Criteria: Invitae Variant Classification Sherloc (09022015). Collection method: clinical testing. Allele origin: germline.

Ambry Genetics
Classification: Likely benign for Cardiovascular phenotype. Last evaluated: 2023-12-29. Review status: criteria provided, single submitter. Criteria: Ambry Variant Classification Scheme 2023. Collection method: clinical testing. Allele origin: germline.

Women's Health and Genetics/Laboratory Corporation of America, LabCorp
Classification: Likely benign. Last evaluated: 2023-08-01. Review status: criteria provided, single submitter. Criteria: LabCorp Variant Classification Summary - May 2015. Collection method: clinical testing. Allele origin: germline.

NM_022436.3(ABCG5):c.1758T>C (p.Thr586=)

Genes: ABCG5 (ATP binding cassette subfamily G member 5; minus strand), DYNC2LI1 (dynein cytoplasmic 2 light intermediate chain 1; plus strand). Cytogenetic location: 2p21.
Variant type: single nucleotide variant.
Coding change: c.1758T>C on transcript NM_022436.3 (MANE Select); coding-DNA position 1758, T replaced by C.
Protein change: p.Thr586=; no amino-acid change (threonine 586 retained).
Molecular consequence: synonymous variant. On other transcripts: intron variant (2).
Genome position (GRCh38, 1-based): chr2:43,814,481, A>G on the plus strand (T>C on the coding strand, the complement: ABCG5 is on the minus strand). VCF-style: chr2-43814481-A-G. GRCh37 (hg19) VCF-style: chr2-44041620-A-G.
Other names: c.*15+3957A>G (NM_001348913.2, NM_001348912.2).
Identifiers: ClinVar variation 2581611 (VCV002581611.5), dbSNP rs141053836, ClinGen allele CA1636180.